The following is an entry in ClinVar:

NM_001127222.2(CACNA1A):c.3546C>T (p.Val1182=)

Gene: CACNA1A (calcium voltage-gated channel subunit alpha1 A; minus strand). Cytogenetic location: 19p13.13.
Variant type: single nucleotide variant.
Coding change: c.3546C>T on transcript NM_001127222.2 (MANE Select); coding-DNA position 3546, C replaced by T.
Protein change: p.Val1182=; no amino-acid change (valine 1182 retained).
Molecular consequence: synonymous variant.
Genome position (GRCh38, 1-based): chr19:13,286,510, G>A on the plus strand (C>T on the coding strand, the complement: CACNA1A is on the minus strand). VCF-style: chr19-13286510-G-A. GRCh37 (hg19) VCF-style: chr19-13397324-G-A.
Other names: p.Val1183=; c.3558C>T, p.Val1186= (NM_000068.4, NM_023035.3); c.3549C>T, p.Val1183= (NM_001127221.2, NM_001174080.2).
Identifiers: ClinVar variation 93561 (VCV000093561.33), dbSNP rs16029, ClinGen allele CA147064.

ClinVar aggregate classification (germline): Benign/Likely benign. Review status: criteria provided, multiple submitters, no conflicts (2 of 4 stars). 13 submissions from 13 submitters: Benign (7); Likely benign (1). 5 of the submissions do not count toward it. Last evaluated 2026-02-03.

Conditions:
Episodic ataxia type 2 (EA2). Also called: EPISODIC ATAXIA, NYSTAGMUS-ASSOCIATED; ACETAZOLAMIDE-RESPONSIVE HEREDITARY PAROXYSMAL CEREBELLAR ATAXIA; ATAXIA, EPISODIC, WITH NYSTAGMUS; ATAXIA, FAMILIAL PAROXYSMAL; CEREBELLAR ATAXIA, PAROXYSMAL, ACETAZOLAMIDE-RESPONSIVE; CEREBELLOPATHY, HEREDITARY PAROXYSMAL. Identifiers: Orphanet 97, MedGen C1720416, MONDO:0007163, OMIM 108500.
Developmental and epileptic encephalopathy, 42 (DEE42A). Also called: Epileptic encephalopathy, early infantile, 42; DEVELOPMENTAL AND EPILEPTIC ENCEPHALOPATHY 42A; EPILEPTIC ENCEPHALOPATHY, EARLY INFANTILE, 42A. Identifiers: MedGen C4310716, MONDO:0014917, OMIM 617106.
Inborn genetic diseases. Identifiers: MedGen C0950123, MeSH D030342.

Allele frequency attached by ClinVar (database versions not stated): 1000 Genomes Project 30x 0.00937; 1000 Genomes Project 0.00938; TOPMed 0.01426; ESP Exome Variant Server 0.01530; gnomAD exomes 0.01704; gnomAD 0.01726 and 0.01749; ExAC 0.02072.
gnomAD v4.1: 26,453 of 1,368,834 alleles (1.9%); highest among the groups gnomAD compares: Non-Finnish European, 2.2%; 341 homozygotes.

Submissions (13):

Labcorp Genetics (formerly Invitae), Labcorp
Classification: Benign for Developmental and epileptic encephalopathy, 42; Episodic ataxia type 2. Last evaluated: 2026-02-03. Review status: criteria provided, single submitter. Criteria: Invitae Variant Classification Sherloc (09022015). Collection method: clinical testing. Allele origin: germline.

Athena Diagnostics
Classification: Benign. Last evaluated: 2025-07-30. Review status: criteria provided, single submitter. Criteria: Athena Diagnostics Criteria. Collection method: clinical testing. Allele origin: unknown.
Comment: The frequency of this variant in the general population is higher than would generally be expected for pathogenic variants in this gene.

Blueprint Genetics
Classification: Likely benign. Last evaluated: 2024-11-28. Review status: criteria provided, single submitter. Criteria: ACMG Guidelines, 2015. Collection method: clinical testing. Allele origin: germline.

Mayo Clinic Laboratories, Mayo Clinic
Classification: Benign. Last evaluated: 2024-04-02. Review status: criteria provided, single submitter. Criteria: ACMG Guidelines, 2015. Collection method: clinical testing. Allele origin: germline. Observed: 53 variant alleles.
Comment: BS1, BS2, BP4, BP7

Ambry Genetics
Classification: Benign for Inborn genetic diseases. Last evaluated: 2016-04-15. Review status: criteria provided, single submitter. Criteria: Ambry Variant Classification Scheme 2023. Collection method: clinical testing. Allele origin: germline.

GeneDx
Classification: Benign. Last evaluated: 2016-01-19. Review status: criteria provided, single submitter. Criteria: GeneDx Variant Classification (06012015). Collection method: clinical testing. Allele origin: germline. Affected: yes.
Comment: This variant is considered likely benign or benign based on one or more of the following criteria: it is a conservative change, it occurs at a poorly conserved position in the protein, it is predicted to be benign by multiple in silico algorithms, and/or has population frequency not consistent with disease.

Eurofins Ntd Llc (ga)
Classification: Benign. Last evaluated: 2013-08-12. Review status: criteria provided, single submitter. Criteria: EGL Classification Definitions 2015. Collection method: clinical testing. Allele origin: germline. Observed: 2 variant alleles, 2 heterozygotes.

Breakthrough Genomics
Classification: Benign. Review status: criteria provided, single submitter. Criteria: ACMG Guidelines, 2015. Collection method: not provided. Allele origin: germline. Inheritance: Autosomal dominant inheritance. Affected: yes.

Clinical Genetics DNA and cytogenetics Diagnostics Lab, Erasmus MC, Erasmus Medical Center
Classification: Benign. Review status: no assertion criteria provided. Collection method: clinical testing. Allele origin: germline. Affected: yes. Study: VKGL Data-share Consensus. Not counted in ClinVar's aggregate classification.

Genetic Services Laboratory, University of Chicago
Classification: Likely benign for AllHighlyPenetrant. Review status: no assertion criteria provided. Collection method: clinical testing. Allele origin: germline. Inheritance: Autosomal dominant inheritance. Not counted in ClinVar's aggregate classification.
Comment: Likely benign based on allele frequency in 1000 Genomes Project or ESP global frequency and its presence in a patient with a rare or unrelated disease phenotype. NOT Sanger confirmed.

Genome Diagnostics Laboratory, University Medical Center Utrecht
Classification: Benign. Review status: no assertion criteria provided. Collection method: clinical testing. Allele origin: germline. Affected: yes. Study: VKGL Data-share Consensus. Not counted in ClinVar's aggregate classification.

Joint Genome Diagnostic Labs from Nijmegen and Maastricht, Radboudumc and MUMC+
Classification: Benign. Review status: no assertion criteria provided. Collection method: clinical testing. Allele origin: germline. Affected: yes. Study: VKGL Data-share Consensus. Not counted in ClinVar's aggregate classification.

Laboratory of Diagnostic Genome Analysis, Leiden University Medical Center (LUMC)
Classification: Benign. Review status: no assertion criteria provided. Collection method: clinical testing. Allele origin: germline. Affected: yes. Study: VKGL Data-share Consensus. Not counted in ClinVar's aggregate classification.

Literature cited by the submitters: PubMed 22784462 (cited by Athena Diagnostics); PubMed 10408532 (cited by Athena Diagnostics).